The following is an entry in ClinVar:

NM_001098816.3(TENM4):c.5212A>G (p.Ile1738Val)

Gene: TENM4 (teneurin transmembrane protein 4; minus strand). Cytogenetic location: 11q14.1.
Variant type: single nucleotide variant.
Coding change: c.5212A>G on transcript NM_001098816.3 (MANE Select); coding-DNA position 5212, A replaced by G.
Protein change: p.Ile1738Val; replaces isoleucine 1738 with valine.
Molecular consequence: missense variant.
Genome position (GRCh38, 1-based): chr11:78,688,102, T>C on the plus strand (A>G on the coding strand, the complement: TENM4 is on the minus strand). VCF-style: chr11-78688102-T-C. GRCh37 (hg19) VCF-style: chr11-78399147-T-C.
Other names: short protein forms I1738V.
Identifiers: ClinVar variation 2672478 (VCV002672478.23), dbSNP rs1373683631, ClinGen allele CA382138225.

ClinVar aggregate classification (germline): Uncertain significance (1 of 4 stars; one submission).

Allele frequency attached by ClinVar (database versions not stated): TOPMed 0.00001; gnomAD 0.00003.

Submission:

CeGaT Center for Human Genetics Tuebingen
Classification: Uncertain significance. Last evaluated: 2023-11-01. Review status: criteria provided, single submitter. Criteria: CeGaT Center For Human Genetics Tuebingen Variant Classification Criteria Version 2. Collection method: clinical testing. Allele origin: germline. Affected: yes. Observed: 1 variant allele.
Comment: TENM4: PM2